The following is an entry in ClinVar:

ClinVar aggregate classification (germline): Pathogenic (1 of 4 stars; one submission).

Submission:

ISCA site 15
Classification: Pathogenic. Last evaluated: 2011-08-12. Review status: criteria provided, single submitter. Criteria: Kaminsky et al. (Genet Med. 2011). Collection method: clinical testing. Allele origin: de novo. Affected: yes. Observed: 1 variant allele.
Comment: Copy number variation identified through the course of routine clinical cytogenomic testing in postnatal populations. Clinical assertions have been curated as described in Kaminsky et al. 2011.

GRCh38/hg38 18q21.2(chr18:55339930-55500526)x1

Genes: MIR4529 (microRNA 4529; plus strand), TCF4 (transcription factor 4; minus strand), TCF4-AS1 (TCF4 antisense RNA 1; plus strand), LOC110120867 (VISTA enhancer hs376; plus strand), LOC110121390 (VISTA enhancer hs1537; plus strand). Cytogenetic location: 18q21.2.
Variant type: copy number loss.
Change: copy number 1 (one copy instead of two) of chr18:55,339,930-55,500,526 (160.6 kb, GRCh38 coordinates, 1-based), cytogenetic band 18q21.2.
Identifiers: ClinVar variation 59999 (VCV000059999.1).